The following is an entry in ClinVar:

NM_000018.4(ACADVL):c.515T>C (p.Leu172Pro)

Gene: ACADVL (acyl-CoA dehydrogenase very long chain; plus strand). Cytogenetic location: 17p13.1.
Variant type: single nucleotide variant.
Coding change: c.515T>C on transcript NM_000018.4 (MANE Select); coding-DNA position 515, T replaced by C.
Protein change: p.Leu172Pro; replaces leucine 172 with proline.
Molecular consequence: missense variant.
Genome position (GRCh38, 1-based): chr17:7,221,575, T>C. VCF-style: chr17-7221575-T-C. GRCh37 (hg19) VCF-style: chr17-7124894-T-C.
Other names: NM_000018.4(ACADVL):c.515T>C; p.Leu172Pro; c.449T>C, p.Leu150Pro (NM_001033859.3); c.584T>C, p.Leu195Pro (NM_001270447.2); c.287T>C, p.Leu96Pro (NM_001270448.2); short protein forms L172P, L96P, L150P, L195P.
Identifiers: ClinVar variation 807359 (VCV000807359.9), dbSNP rs1597524963, ClinGen allele CA397723077.

ClinVar aggregate classification (germline): Likely pathogenic. Review status: reviewed by expert panel (3 of 4 stars). 4 submissions from 4 submitters: Likely pathogenic (1). 3 of the submissions do not count toward it. Last evaluated 2022-12-14.

Conditions:
Very long chain acyl-CoA dehydrogenase deficiency (ACADVLD). Also called: Very Long-Chain Acyl-Coenzyme A Dehydrogenase Deficiency; VLCAD Deficiency. Identifiers: Orphanet 26793, MedGen C3887523, MONDO:0008723, OMIM 201475.

Allele frequency attached by ClinVar (database versions not stated): gnomAD exomes below 0.00001.
gnomAD v4.1: 4 of 1,614,054 alleles (0.00025%); highest among the groups gnomAD compares: South Asian, 0.0033%; no homozygotes.

Submissions (4):

ClinGen ACADVL Variant Curation Expert Panel, ClinGen
Classification: Likely pathogenic for Very long chain acyl-CoA dehydrogenase deficiency. Last evaluated: 2022-12-14. Review status: reviewed by expert panel. Criteria: clingen acadvl acmg specifications v1. Collection method: curation. Allele origin: germline. Inheritance: Autosomal recessive inheritance.
Comment: The c.515T>C variant in ACADVL is a missense variant predicted to cause substitution of Leucine by Proline at amino acid 172 (p.Leu172Pro). At least one patient with this variant displayed enzyme data which is highly specific for VLCAD. A proband with this variant had residual enzyme activity of 1% of controls (PP4_moderate) PMID 30194637. The computational predictor REVEL gives a score of 0.835, which is above the threshold of 0.75, evidence that correlates with impact to ACADVL function (PP3). This variant is absent from gnomAD v2.1.1 (PM2_Supporting). This variant has been detected in at least 2 individuals with very long chain acyl CoA dehydrogenase (VLCAD) deficiency. Of those individuals, 1 was compound heterozygous for the variant and a distinct pathogenic variant. The case was not confirmed in trans by parental or other testing methods. The other variant in this case was c.1332+2T>A, 0.5 points were applied to arrive at PM3_supporting. (PMID 30194637). In summary, this variant meets the criteria to be classified as likely pathogenic for autosomal recessive very long chain acyl-CoA dehydrogenase (VLCAD) deficiency based on the ACMG/AMP criteria applied, as specified by the ClinGen ACADVL Variant Curation Expert Panel: PP4, PM2, PP3, PM3 (VCEP specifications version 1; 11/8/2021).

Labcorp Genetics (formerly Invitae), Labcorp
Classification: Pathogenic for Very long chain acyl-CoA dehydrogenase deficiency. Last evaluated: 2024-02-23. Review status: criteria provided, single submitter. Criteria: Invitae Variant Classification Sherloc (09022015). Collection method: clinical testing. Allele origin: germline. Not counted in ClinVar's aggregate classification.
Comment: This sequence change replaces leucine, which is neutral and non-polar, with proline, which is neutral and non-polar, at codon 172 of the ACADVL protein (p.Leu172Pro). This variant is not present in population databases (gnomAD no frequency). This missense change has been observed in individual(s) with very long-chain acyl-CoA dehydrogenase deficiency (PMID: 30194637, 35400565). ClinVar contains an entry for this variant (Variation ID: 807359). Advanced modeling of protein sequence and biophysical properties (such as structural, functional, and spatial information, amino acid conservation, physicochemical variation, residue mobility, and thermodynamic stability) performed at Invitae indicates that this missense variant is expected to disrupt ACADVL protein function with a positive predictive value of 95%. This variant disrupts the p.Leu172 amino acid residue in ACADVL. Other variant(s) that disrupt this residue have been observed in individuals with ACADVL-related conditions (PMID: 35400565), which suggests that this may be a clinically significant amino acid residue. For these reasons, this variant has been classified as Pathogenic.

Baylor Genetics
Classification: Likely pathogenic for Very long chain acyl-CoA dehydrogenase deficiency. Last evaluated: 2023-10-02. Review status: criteria provided, single submitter. Criteria: ACMG Guidelines, 2015. Collection method: clinical testing. Allele origin: unknown. Not counted in ClinVar's aggregate classification.

Institute of Human Genetics Munich, TUM University Hospital
Classification: Pathogenic for Very long chain acyl-CoA dehydrogenase deficiency. Last evaluated: 2020-01-16. Review status: criteria provided, single submitter. Criteria: Classification criteria August 2017. Collection method: clinical testing. Allele origin: inherited. Inheritance: Autosomal recessive inheritance. Affected: yes. Observed: 1 homozygote. Not counted in ClinVar's aggregate classification.

Literature cited by the submitters: PubMed 30194637 (cited by Labcorp Genetics (formerly Invitae), Labcorp); PubMed 35400565 (cited by Labcorp Genetics (formerly Invitae), Labcorp).